The following is an entry in ClinVar:

NM_004714.3(DYRK1B):c.1699A>G (p.Ser567Gly)

Gene: DYRK1B (dual specificity tyrosine phosphorylation regulated kinase 1B; minus strand). Cytogenetic location: 19q13.2.
Variant type: single nucleotide variant.
Coding change: c.1699A>G on transcript NM_004714.3 (MANE Select); coding-DNA position 1699, A replaced by G.
Protein change: p.Ser567Gly; replaces serine 567 with glycine.
Molecular consequence: missense variant.
Genome position (GRCh38, 1-based): chr19:39,825,906, T>C on the plus strand (A>G on the coding strand, the complement: DYRK1B is on the minus strand). VCF-style: chr19-39825906-T-C. GRCh37 (hg19) VCF-style: chr19-40316546-T-C.
Other names: c.1579A>G, p.Ser527Gly (NM_006483.3); c.1615A>G, p.Ser539Gly (NM_006484.3); short protein forms S539G, S567G, S527G.
Identifiers: ClinVar variation 4992042 (VCV004992042.1).

ClinVar aggregate classification (germline): Uncertain significance (1 of 4 stars; one submission).

Conditions:
DYRK1B-related disorder. Also called: DYRK1B-related condition.

Submission:

PreventionGenetics, part of Exact Sciences
Classification: Uncertain significance for DYRK1B-related condition. Last evaluated: 2025-10-23. Review status: criteria provided, single submitter. Criteria: ACMG Guidelines, 2015. Collection method: clinical testing. Allele origin: germline.
Comment: The DYRK1B c.1699A>G variant is predicted to result in the amino acid substitution p.Ser567Gly. To our knowledge, this variant has not been reported in the literature or in a large population database (gnomAD), indicating this variant is rare. At this time, the clinical significance of this variant is uncertain due to the absence of conclusive functional and genetic evidence.